The following is an entry in ClinVar:

NM_001379081.2(FREM1):c.4684C>G (p.Leu1562Val)

Gene: FREM1 (FRAS1 related extracellular matrix 1; minus strand). Cytogenetic location: 9p22.3.
Variant type: single nucleotide variant.
Coding change: c.4684C>G on transcript NM_001379081.2 (MANE Select); coding-DNA position 4684, C replaced by G.
Protein change: p.Leu1562Val; replaces leucine 1562 with valine.
Molecular consequence: missense variant. On other transcripts: non-coding transcript variant (2).
Genome position (GRCh38, 1-based): chr9:14,775,962, G>C on the plus strand (C>G on the coding strand, the complement: FREM1 is on the minus strand). VCF-style: chr9-14775962-G-C. GRCh37 (hg19) VCF-style: chr9-14775960-G-C.
Other names: c.292C>G, p.Leu98Val (NM_001177704.3, NM_001370058.2, NM_001370061.2); c.4684C>G, p.Leu1562Val (NM_144966.7); short protein forms L1562V, L98V.
Identifiers: ClinVar variation 914184 (VCV000914184.7), dbSNP rs759674293, ClinGen allele CA4990097.
Genomic context (GRCh38, chr9:14,775,962, plus strand): 5'-AGTGCCGATAGGCCACATTCTTGCTGTCCACATCCTGCTGGGTGAAATTGTGTTGAAGTA[G>C]CCCTGTCCCCCACAGGTAGAGCTGGCCATGCTGGGGGAGCTGAACCAAGAGGAAGGTGAG-3'
Protein context (NP_001366010.1, residues 1552-1572): HGQLYLWGTG[Leu1562Val]LQHNFTQQDV

ClinVar aggregate classification (germline): Uncertain significance. Review status: criteria provided, multiple submitters, no conflicts (2 of 4 stars). 3 submissions from 3 submitters: Uncertain significance (3). Last evaluated 2025-08-09.

Conditions:
Inborn genetic diseases. Identifiers: MedGen C0950123, MeSH D030342.
Oculotrichoanal syndrome (MOTA). Also called: MARLES SYNDROME; Manitoba Oculotrichoanal (MOTA) Syndrome. Identifiers: Orphanet 2717, MedGen C1855425, MONDO:0009560, OMIM 248450.

Allele frequency attached by ClinVar (database versions not stated): ExAC 0.00002; TOPMed 0.00002; gnomAD exomes 0.00003.
gnomAD v4.1: 8 of 1,613,990 alleles (0.0005%); highest among the groups gnomAD compares: East Asian, 0.016%; no homozygotes.

Submissions (3):

Ambry Genetics
Classification: Uncertain significance for Inborn genetic diseases. Last evaluated: 2025-08-09. Review status: criteria provided, single submitter. Criteria: Ambry Variant Classification Scheme 2023. Collection method: clinical testing. Allele origin: germline.

Labcorp Genetics (formerly Invitae), Labcorp
Classification: Uncertain significance. Last evaluated: 2022-04-04. Review status: criteria provided, single submitter. Criteria: Invitae Variant Classification Sherloc (09022015). Collection method: clinical testing. Allele origin: germline.
Comment: This sequence change replaces leucine, which is neutral and non-polar, with valine, which is neutral and non-polar, at codon 1562 of the FREM1 protein (p.Leu1562Val). This variant is present in population databases (rs759674293, gnomAD 0.03%). This variant has not been reported in the literature in individuals affected with FREM1-related conditions. ClinVar contains an entry for this variant (Variation ID: 914184). Algorithms developed to predict the effect of missense changes on protein structure and function are either unavailable or do not agree on the potential impact of this missense change (SIFT: "Deleterious"; PolyPhen-2: "Benign"; Align-GVGD: "Class C0"). In summary, the available evidence is currently insufficient to determine the role of this variant in disease. Therefore, it has been classified as a Variant of Uncertain Significance.

Illumina Laboratory Services, Illumina
Classification: Uncertain significance for Oculotrichoanal syndrome. Last evaluated: 2018-01-12. Review status: criteria provided, single submitter. Criteria: ICSL Variant Classification Criteria 13 December 2019. Collection method: clinical testing. Allele origin: germline.